The following is an entry in ClinVar:

ClinVar aggregate classification (germline): Uncertain significance (1 of 4 stars; one submission).

Conditions:
Mosaic variegated aneuploidy syndrome 1 (MVA1). Also called: Warburton-Anyane-Yeboa syndrome. Identifiers: Orphanet 1052, MedGen C1850343, MONDO:0009759, OMIM 257300.

Allele frequency attached by ClinVar (database versions not stated): gnomAD exomes below 0.00001; ExAC 0.00001.
gnomAD v4.1: 2 of 1,614,174 alleles (0.00012%); highest among the groups gnomAD compares: South Asian, 0.0022%; no homozygotes.

Submission:

Labcorp Genetics (formerly Invitae), Labcorp
Classification: Uncertain significance for Mosaic variegated aneuploidy syndrome 1. Last evaluated: 2021-07-14. Review status: criteria provided, single submitter. Criteria: Invitae Variant Classification Sherloc (09022015). Collection method: clinical testing. Allele origin: germline.
Comment: This sequence change replaces glutamic acid with aspartic acid at codon 161 of the BUB1B protein (p.Glu161Asp). The glutamic acid residue is moderately conserved and there is a small physicochemical difference between glutamic acid and aspartic acid. This variant is present in population databases (rs758667204, ExAC 0.006%). This variant has not been reported in the literature in individuals with BUB1B-related conditions. Algorithms developed to predict the effect of missense changes on protein structure and function (SIFT, PolyPhen-2, Align-GVGD) all suggest that this variant is likely to be tolerated, but these predictions have not been confirmed by published functional studies and their clinical significance is uncertain. In summary, the available evidence is currently insufficient to determine the role of this variant in disease. Therefore, it has been classified as a Variant of Uncertain Significance.

NM_001211.6(BUB1B):c.483A>T (p.Glu161Asp)

Gene: BUB1B (BUB1 mitotic checkpoint serine/threonine kinase B; plus strand). Cytogenetic location: 15q15.1.
Variant type: single nucleotide variant.
Coding change: c.483A>T on transcript NM_001211.6 (MANE Select); coding-DNA position 483, A replaced by T.
Protein change: p.Glu161Asp; replaces glutamic acid 161 with aspartic acid.
Molecular consequence: missense variant.
Genome position (GRCh38, 1-based): chr15:40,176,575, A>T. VCF-style: chr15-40176575-A-T. GRCh37 (hg19) VCF-style: chr15-40468776-A-T.
Other names: short protein forms E161D.
Identifiers: ClinVar variation 1511624 (VCV001511624.8), dbSNP rs758667204, ClinGen allele CA7475492.